The following is an entry in ClinVar:

NM_006940.6(SOX5):c.1848C>G (p.His616Gln)

Gene: SOX5 (SRY-box transcription factor 5; minus strand). Cytogenetic location: 12p12.1.
Variant type: single nucleotide variant.
Coding change: c.1848C>G on transcript NM_006940.6 (MANE Select); coding-DNA position 1848, C replaced by G.
Protein change: p.His616Gln; replaces histidine 616 with glutamine.
Molecular consequence: missense variant.
Genome position (GRCh38, 1-based): chr12:23,536,593, G>C on the plus strand (C>G on the coding strand, the complement: SOX5 is on the minus strand). VCF-style: chr12-23536593-G-C. GRCh37 (hg19) VCF-style: chr12-23689527-G-C.
Other names: c.1485C>G, p.His495Gln (NM_001261414.3); c.1818C>G, p.His606Gln (NM_001261415.3); c.1743C>G, p.His581Gln (NM_001330785.2); c.1809C>G, p.His603Gln (NM_152989.5); c.690C>G, p.His230Gln (NM_178010.4); c.1848C>G (NM_006940.5); short protein forms H495Q, H603Q, H606Q, H581Q, H230Q, H616Q.
Identifiers: ClinVar variation 3167797 (VCV003167797.2), dbSNP rs769452777, ClinGen allele CA384319479.

ClinVar aggregate classification (germline): Uncertain significance. Review status: criteria provided, multiple submitters, no conflicts (2 of 4 stars). 2 submissions from 2 submitters: Uncertain significance (2). Last evaluated 2026-09-17.

Conditions:
Inborn genetic diseases. Identifiers: MedGen C0950123, MeSH D030342.
SOX5-related disorder. Also called: SOX5-related condition.

Submissions (2):

PreventionGenetics, part of Exact Sciences
Classification: Uncertain significance for SOX5-related condition. Last evaluated: 2026-09-17. Review status: criteria provided, single submitter. Criteria: ACMG Guidelines, 2015. Collection method: clinical testing. Allele origin: germline.
Comment: The SOX5 c.1848C>G variant is predicted to result in the amino acid substitution p.His616Gln. To our knowledge, this variant has not been reported in the literature or in a large population database (gnomAD), indicating this variant is rare. At this time, the clinical significance of this variant is uncertain due to the absence of conclusive functional and genetic evidence.

Ambry Genetics
Classification: Uncertain significance for Inborn genetic diseases. Last evaluated: 2024-03-01. Review status: criteria provided, single submitter. Criteria: Ambry Variant Classification Scheme 2023. Collection method: clinical testing. Allele origin: germline.
Comment: The c.1848C>G (p.H616Q) alteration is located in exon 14 (coding exon 14) of the SOX5 gene. This alteration results from a C to G substitution at nucleotide position 1848, causing the histidine (H) at amino acid position 616 to be replaced by a glutamine (Q). This variant was not reported in population-based cohorts in the Genome Aggregation Database (gnomAD). This amino acid position is highly conserved in available vertebrate species. This missense alteration is located in a region that has a low rate of benign missense variation (Lek, 2016; Firth, 2009). This alteration is predicted to be deleterious by in silico analysis. Based on insufficient or conflicting evidence, the clinical significance of this alteration remains unclear.